The following is an entry in ClinVar:

ClinVar aggregate classification (germline): Uncertain significance (1 of 4 stars; one submission).

Conditions:
Lethal multiple pterygium syndrome (LMPS). Identifiers: Orphanet 33108, MedGen C1854678, MONDO:0009668, OMIM 253290.

Allele frequency attached by ClinVar (database versions not stated): gnomAD exomes below 0.00001.

Submission:

Labcorp Genetics (formerly Invitae), Labcorp
Classification: Uncertain significance for Lethal multiple pterygium syndrome. Last evaluated: 2019-09-19. Review status: criteria provided, single submitter. Criteria: Invitae Variant Classification Sherloc (09022015). Collection method: clinical testing. Allele origin: germline.
Comment: This sequence change replaces histidine with tyrosine at codon 154 of the CHRNA1 protein (p.His154Tyr). The histidine residue is moderately conserved and there is a moderate physicochemical difference between histidine and tyrosine. This variant is not present in population databases (ExAC no frequency). This variant has not been reported in the literature in individuals with CHRNA1-related conditions. Algorithms developed to predict the effect of missense changes on protein structure and function (SIFT, PolyPhen-2, Align-GVGD) all suggest that this variant is likely to be tolerated, but these predictions have not been confirmed by published functional studies and their clinical significance is uncertain. In summary, the available evidence is currently insufficient to determine the role of this variant in disease. Therefore, it has been classified as a Variant of Uncertain Significance.

NM_000079.4(CHRNA1):c.460C>T (p.His154Tyr)

Gene: CHRNA1 (cholinergic receptor nicotinic alpha 1 subunit; minus strand). Cytogenetic location: 2q31.1.
Variant type: single nucleotide variant.
Coding change: c.460C>T on transcript NM_000079.4 (MANE Select); coding-DNA position 460, C replaced by T.
Protein change: p.His154Tyr; replaces histidine 154 with tyrosine.
Molecular consequence: missense variant.
Genome position (GRCh38, 1-based): chr2:174,754,299, G>A on the plus strand (C>T on the coding strand, the complement: CHRNA1 is on the minus strand). VCF-style: chr2-174754299-G-A. GRCh37 (hg19) VCF-style: chr2-175619027-G-A.
Other names: c.535C>T, p.His179Tyr (NM_001039523.3); short protein forms H154Y, H179Y.
Identifiers: ClinVar variation 961898 (VCV000961898.1), dbSNP rs1161547381, ClinGen allele CA349341236.